The following is an entry in ClinVar:

ClinVar aggregate classification (germline): Uncertain significance (1 of 4 stars; one submission).

Conditions:
Long QT syndrome (LQTS). Identifiers: MedGen C0023976, MeSH D008133, MONDO:0002442. Disease mechanism: loss of function. Inheritance: Various modes of inheritance.

gnomAD v4.1: 5 of 1,613,892 alleles (0.00031%); highest among the groups gnomAD compares: South Asian, 0.0011%; no homozygotes.

Submission:

Labcorp Genetics (formerly Invitae), Labcorp
Classification: Uncertain significance for Long QT syndrome. Last evaluated: 2024-08-08. Review status: criteria provided, single submitter. Criteria: Invitae Variant Classification Sherloc (09022015). Collection method: clinical testing. Allele origin: germline.
Comment: This sequence change replaces alanine, which is neutral and non-polar, with threonine, which is neutral and polar, at codon 1519 of the ANK2 protein (p.Ala1519Thr). This variant is present in population databases (rs200920714, gnomAD 0.002%). This variant has not been reported in the literature in individuals affected with ANK2-related conditions. An algorithm developed to predict the effect of missense changes on protein structure and function (PolyPhen-2) suggests that this variant is likely to be disruptive. In summary, the available evidence is currently insufficient to determine the role of this variant in disease. Therefore, it has been classified as a Variant of Uncertain Significance.

NM_001148.6(ANK2):c.4555G>A (p.Ala1519Thr)

Gene: ANK2 (ankyrin 2; plus strand). Cytogenetic location: 4q26.
Variant type: single nucleotide variant.
Coding change: c.4555G>A on transcript NM_001148.6 (MANE Select); coding-DNA position 4555, G replaced by A.
Protein change: p.Ala1519Thr; replaces alanine 1519 with threonine.
Molecular consequence: missense variant. On other transcripts: intron variant (68).
Genome position (GRCh38, 1-based): chr4:113,353,173, G>A. VCF-style: chr4-113353173-G-A. GRCh37 (hg19) VCF-style: chr4-114274329-G-A.
Other names: c.4321G>A, p.Ala1441Thr (NM_001386142.1); c.955G>A, p.Ala319Thr (NM_001386166.1); c.4696G>A, p.Ala1566Thr (NM_001386174.1); c.4672G>A, p.Ala1558Thr (NM_001386175.1); c.4411+2924G>A (NM_001386186.2, NM_001386148.2); c.4213+2924G>A (NM_001354269.3); c.4291+2924G>A (NM_001386187.2); c.4252+2924G>A (NM_001386147.1); and 35 more; short protein forms A1441T, A1558T, A1566T, A319T, A1519T.
Identifiers: ClinVar variation 3705845 (VCV003705845.2).